The following is an entry in ClinVar:

NM_012079.6(DGAT1):c.894+1G>T

Gene: DGAT1 (diacylglycerol O-acyltransferase 1; minus strand). Cytogenetic location: 8q24.3.
Variant type: single nucleotide variant.
Coding change: c.894+1G>T on transcript NM_012079.6 (MANE Select); the canonical splice donor site of the intron after coding-DNA position 894, G replaced by T.
Molecular consequence: splice donor variant.
Genome position (GRCh38, 1-based): chr8:144,317,783, C>A on the plus strand (G>T on the coding strand, the complement: DGAT1 is on the minus strand). VCF-style: chr8-144317783-C-A. GRCh37 (hg19) VCF-style: chr8-145541446-C-A.
Identifiers: ClinVar variation 1347056 (VCV001347056.6), dbSNP rs1259181312, ClinGen allele CA372609924.
Genomic context (GRCh38, chr8:144,317,783, plus strand): 5'-GGGCACCACGTCAGCTCCCAGCCATGCCCAGCTACACCCAACCCTGCCCTACCCCACTTA[C>A]CTGCTGGATCAGCCCCACCTGGAGCTGGGTGAAGAACAGCTGGGGGGGAAACAGAGAGCA-3'

ClinVar aggregate classification (germline): Likely pathogenic (1 of 4 stars; one submission).

Allele frequency attached by ClinVar (database versions not stated): gnomAD 0.00001; TOPMed 0.00001.
gnomAD v4.1: 2 of 1,613,112 alleles (0.00012%); highest among the groups gnomAD compares: Non-Finnish European, 0.00017%; no homozygotes.

Submission:

Labcorp Genetics (formerly Invitae), Labcorp
Classification: Likely pathogenic. Last evaluated: 2021-09-17. Review status: criteria provided, single submitter. Criteria: Invitae Variant Classification Sherloc (09022015). Collection method: clinical testing. Allele origin: germline.
Comment: In summary, the currently available evidence indicates that the variant is pathogenic, but additional data are needed to prove that conclusively. Therefore, this variant has been classified as Likely Pathogenic. Algorithms developed to predict the effect of sequence changes on RNA splicing suggest that this variant may disrupt the consensus splice site. This variant has not been reported in the literature in individuals affected with DGAT1-related conditions. This variant is not present in population databases (ExAC no frequency). This sequence change affects a donor splice site in intron 10 of the DGAT1 gene. It is expected to disrupt RNA splicing. Variants that disrupt the donor or acceptor splice site typically lead to a loss of protein function (PMID: 16199547), and loss-of-function variants in DGAT1 are known to be pathogenic (PMID: 29604290).

Literature cited by the submitters: PubMed 16199547; PubMed 29604290.